The following is an entry in ClinVar:

NM_014991.6(WDFY3):c.10003T>G (p.Ser3335Ala)

Gene: WDFY3 (WD repeat and FYVE domain containing 3; minus strand). Cytogenetic location: 4q21.23.
Variant type: single nucleotide variant.
Coding change: c.10003T>G on transcript NM_014991.6 (MANE Select); coding-DNA position 10003, T replaced by G.
Protein change: p.Ser3335Ala; replaces serine 3335 with alanine.
Molecular consequence: missense variant.
Genome position (GRCh38, 1-based): chr4:84,679,063, A>C on the plus strand (T>G on the coding strand, the complement: WDFY3 is on the minus strand). VCF-style: chr4-84679063-A-C. GRCh37 (hg19) VCF-style: chr4-85600216-A-C.
Other names: short protein forms S3335A.
Identifiers: ClinVar variation 3901369 (VCV003901369.1).

ClinVar aggregate classification (germline): Uncertain significance (1 of 4 stars; one submission).

Submission:

GeneDx
Classification: Uncertain significance. Last evaluated: 2024-12-06. Review status: criteria provided, single submitter. Criteria: GeneDx Variant Classification Process June 2021. Collection method: clinical testing. Allele origin: germline. Affected: yes.
Comment: Not observed at significant frequency in large population cohorts (gnomAD); In silico analysis indicates that this missense variant does not alter protein structure/function; Has not been previously published as pathogenic or benign to our knowledge